The following is an entry in ClinVar:

ClinVar aggregate classification (germline): Pathogenic (1 of 4 stars; one submission).

Conditions:
Zellweger spectrum disorders (ZS). Also called: Zellweger Spectrum Disorder; Zellweger Spectrum; Zellweger Spectrum Disorder (ZSD); Zellweger syndrome. Identifiers: Orphanet 912, MedGen C0043459, MONDO:0019609.

Submission:

Labcorp Genetics (formerly Invitae), Labcorp
Classification: Pathogenic for Zellweger spectrum disorders. Last evaluated: 2022-07-11. Review status: criteria provided, single submitter. Criteria: Invitae Variant Classification Sherloc (09022015). Collection method: clinical testing. Allele origin: germline.
Comment: This sequence change creates a premature translational stop signal (p.Ser1023Tyrfs*12) in the PEX1 gene. It is expected to result in an absent or disrupted protein product. Loss-of-function variants in PEX1 are known to be pathogenic (PMID: 9398847, 16086329, 16141001, 21031596, 26387595, 31831025). This variant is not present in population databases (gnomAD no frequency). This variant has not been reported in the literature in individuals affected with PEX1-related conditions. For these reasons, this variant has been classified as Pathogenic.

Literature cited by the submitters: PubMed 9398847; PubMed 16086329; PubMed 16141001; PubMed 21031596; PubMed 26387595; PubMed 31831025.

NM_000466.3(PEX1):c.3068_3071del (p.Ser1023fs)

Genes: PEX1 (peroxisomal biogenesis factor 1; minus strand), GATAD1 (GATA zinc finger domain containing 1; plus strand). Cytogenetic location: 7q21.2.
Variant type: Microsatellite.
Coding change: c.3068_3071del on transcript NM_000466.3 (MANE Select); coding-DNA positions 3068 to 3071, 4 bases deleted (CTCT; older notation c.3068_3071delCTCT).
Protein change: p.Ser1023fs; shifts the reading frame from serine 1023.
Molecular consequence: frameshift variant.
Genome position (GRCh38, 1-based): chr7:92,493,089-92,493,092, AGAG deleted on the plus strand (CTCT on the coding strand, the reverse complement: PEX1 is on the minus strand); deleting any 4 consecutive bases within chr7:92,493,089-92,493,094 gives the same sequence; the c. name uses the placement nearest the transcript's 3' end. VCF-style (leftmost placement, unchanged base first): chr7-92493088-TAGAG-T. GRCh37 (hg19) VCF-style: chr7-92122402-TAGAG-T.
Other names: c.2897_2900del, p.Ser966fs (NM_001282677.2); c.2444_2447del, p.Ser815fs (NM_001282678.2); short protein forms S815fs, S966fs, S1023fs.
Identifiers: ClinVar variation 1945654 (VCV001945654.5), dbSNP rs1312351030, ClinGen allele CA2580615931.